The following is an entry in ClinVar:

ClinVar aggregate classification (germline): Pathogenic (1 of 4 stars; one submission).

Submission:

Labcorp Genetics (formerly Invitae), Labcorp
Classification: Pathogenic. Last evaluated: 2022-07-24. Review status: criteria provided, single submitter. Criteria: Invitae Variant Classification Sherloc (09022015). Collection method: clinical testing. Allele origin: germline.
Comment: For these reasons, this variant has been classified as Pathogenic. Algorithms developed to predict the effect of sequence changes on RNA splicing suggest that this variant may disrupt the consensus splice site. This premature translational stop signal has been observed in individual(s) with clinical features of MPV17-related conditions (PMID: 33258288). Information on the frequency of this variant in the gnomAD database is not available, as this variant may be reported differently in the database. This sequence change creates a premature translational stop signal (p.Arg125Hisfs*5) in the MPV17 gene. It is expected to result in an absent or disrupted protein product. Loss-of-function variants in MPV17 are known to be pathogenic (PMID: 23714749).

Literature cited by the submitters: PubMed 33258288; PubMed 23714749.

NM_002437.5(MPV17):c.374delinsAT (p.Arg125fs)

Gene: MPV17 (mitochondrial inner membrane protein MPV17; minus strand). Cytogenetic location: 2p23.3.
Variant type: Indel.
Coding change: c.374delinsAT on transcript NM_002437.5 (MANE Select); coding-DNA position 374, G replaced by AT.
Protein change: p.Arg125fs; shifts the reading frame from arginine 125.
Molecular consequence: frameshift variant.
Genome position (GRCh38, 1-based): chr2:27,312,495, C replaced by AT on the plus strand (G replaced by AT on the coding strand, the reverse complement: MPV17 is on the minus strand). VCF-style: chr2-27312495-C-AT. GRCh37 (hg19) VCF-style: chr2-27535362-C-AT.
Other names: short protein forms R125fs.
Identifiers: ClinVar variation 1999988 (VCV001999988.4), dbSNP rs2465681533, ClinGen allele CA2580066209.